The following is an entry in ClinVar:

ClinVar aggregate classification (germline): Uncertain significance (1 of 4 stars; one submission).

Conditions:
Amyotrophic lateral sclerosis type 1 (ALS1). Also called: AMYOTROPHIC LATERAL SCLEROSIS 1, FAMILIAL. Identifiers: Orphanet 803, MedGen C1862939, MONDO:0007103, OMIM 105400.
Neuronopathy, distal hereditary motor, type 7B. Also called: Distal Hereditary Motor Neuronopathy Type 7B (dHMN7B); HMN VIIB; LOWER MOTOR NEURON DISEASE, DYNACTIN TYPE; NEURONOPATHY, DISTAL HEREDITARY MOTOR, AUTOSOMAL DOMINANT 14; NEURONOPATHY, DISTAL HEREDITARY MOTOR, HARDING TYPE VIIB; NEUROPATHY, DISTAL HEREDITARY MOTOR, HARDING TYPE VIIB. Identifiers: Orphanet 139589, MedGen C1843315, MONDO:0011879, OMIM 607641.
Perry syndrome. Also called: PARKINSONISM WITH ALVEOLAR HYPOVENTILATION AND MENTAL DEPRESSION. Identifiers: Orphanet 178509, MedGen C1868594, MONDO:0008201, OMIM 168605.

gnomAD v4.1: 1 of 1,588,882 alleles (0.000063%); highest among the groups gnomAD compares: Non-Finnish European, 0.000086%; no homozygotes.

Submission:

Labcorp Genetics (formerly Invitae), Labcorp
Classification: Uncertain significance for Amyotrophic lateral sclerosis type 1; Neuronopathy, distal hereditary motor, type 7B; Perry syndrome. Last evaluated: 2023-12-25. Review status: criteria provided, single submitter. Criteria: Invitae Variant Classification Sherloc (09022015). Collection method: clinical testing. Allele origin: germline.
Comment: This sequence change replaces proline, which is neutral and non-polar, with serine, which is neutral and polar, at codon 197 of the DCTN1 protein (p.Pro197Ser). This variant is not present in population databases (gnomAD no frequency). This variant has not been reported in the literature in individuals affected with DCTN1-related conditions. Advanced modeling of protein sequence and biophysical properties (such as structural, functional, and spatial information, amino acid conservation, physicochemical variation, residue mobility, and thermodynamic stability) performed at Invitae indicates that this missense variant is not expected to disrupt DCTN1 protein function with a negative predictive value of 80%. In summary, the available evidence is currently insufficient to determine the role of this variant in disease. Therefore, it has been classified as a Variant of Uncertain Significance.

NM_004082.5(DCTN1):c.589C>T (p.Pro197Ser)

Gene: DCTN1 (dynactin subunit 1; minus strand). Cytogenetic location: 2p13.1.
Variant type: single nucleotide variant.
Coding change: c.589C>T on transcript NM_004082.5 (MANE Select); coding-DNA position 589, C replaced by T.
Protein change: p.Pro197Ser; replaces proline 197 with serine.
Molecular consequence: missense variant. On other transcripts: non-coding transcript variant (1).
Genome position (GRCh38, 1-based): chr2:74,371,593, G>A on the plus strand (C>T on the coding strand, the complement: DCTN1 is on the minus strand). VCF-style: chr2-74371593-G-A. GRCh37 (hg19) VCF-style: chr2-74598720-G-A.
Other names: c.529C>T, p.Pro177Ser (NM_001135040.3); c.187C>T, p.Pro63Ser (NM_001135041.3, NM_023019.4); c.478C>T, p.Pro160Ser (NM_001190836.2); c.568C>T, p.Pro190Ser (NM_001190837.2); c.538C>T, p.Pro180Ser (NM_001378991.1); c.520C>T, p.Pro174Ser (NM_001378992.1); short protein forms P160S, P63S, P177S, P180S, P197S, P174S, P190S.
Identifiers: ClinVar variation 2921703 (VCV002921703.3), dbSNP rs1275232239, ClinGen allele CA347367012.